The following is an entry in ClinVar:

ClinVar aggregate classification (germline): Uncertain significance (1 of 4 stars; one submission).

Conditions:
Perlman syndrome (PRLMNS). Identifiers: Orphanet 2849, MedGen C0796113, MONDO:0009965, OMIM 267000.

Submission:

Labcorp Genetics (formerly Invitae), Labcorp
Classification: Uncertain significance for Perlman syndrome. Last evaluated: 2022-06-20. Review status: criteria provided, single submitter. Criteria: Invitae Variant Classification Sherloc (09022015). Collection method: clinical testing. Allele origin: germline.
Comment: In summary, the available evidence is currently insufficient to determine the role of this variant in disease. Therefore, it has been classified as a Variant of Uncertain Significance. Experimental studies and prediction algorithms are not available or were not evaluated, and the functional significance of this variant is currently unknown. ClinVar contains an entry for this variant (Variation ID: 1055329). This variant has not been reported in the literature in individuals affected with DIS3L2-related conditions. This variant is not present in population databases (gnomAD no frequency). This variant, c.573_575del, results in the deletion of 1 amino acid(s) of the DIS3L2 protein (p.Lys192del), but otherwise preserves the integrity of the reading frame.

NM_152383.5(DIS3L2):c.573_575del (p.Lys192del)

Gene: DIS3L2 (DIS3 like 3'-5' exoribonuclease 2; plus strand). Cytogenetic location: 2q37.1.
Variant type: Deletion.
Coding change: c.573_575del on transcript NM_152383.5 (MANE Select); coding-DNA positions 573 to 575, 3 bases deleted (GAA; older notation c.573_575delGAA).
Protein change: p.Lys192del; deletes lysine 192.
Molecular consequence: inframe deletion. On other transcripts: non-coding transcript variant (2).
Genome position (GRCh38, 1-based): chr2:232,087,693-232,087,695, GAA deleted; deleting any 3 consecutive bases within chr2:232,087,691-232,087,695 gives the same sequence; the c. name uses the placement nearest the transcript's 3' end. VCF-style (leftmost placement, unchanged base first): chr2-232087690-TAAG-T. GRCh37 (hg19) VCF-style: chr2-232952400-TAAG-T.
Other names: c.573_575del, p.Lys192del (NM_001257281.2, NM_001257282.2); short protein forms K192del.
Identifiers: ClinVar variation 1055329 (VCV001055329.9), dbSNP rs2106309674, ClinGen allele CA2499215783.
Genomic context (GRCh38, chr2:232,087,690, plus strand): 5'-TGATGGCAGCGACTCAGAAGATGGACATGGCATCACACAAAATGTGCTGGTTGATGGTGT[TAAG>T]AAACTCTCAGTTTGTGTTTCTGAGAAAGGTGAGTACTAGACTATTGTCTTACTTTTTTTT-3'